The following is an entry in ClinVar:

ClinVar aggregate classification (germline): Likely benign (0 of 4 stars; one submission).

Conditions:
NAF1-related disorder. Also called: NAF1-related condition.

Allele frequency attached by ClinVar (database versions not stated): ExAC 0.00003; gnomAD exomes 0.00003; TOPMed 0.00003; gnomAD 0.00004.
gnomAD v4.1: 47 of 1,607,430 alleles (0.0029%); highest among the groups gnomAD compares: African/African-American, 0.011%; no homozygotes.

Submission:

PreventionGenetics, part of Exact Sciences
Classification: Likely benign for NAF1-related condition. Last evaluated: 2019-08-12. Review status: no assertion criteria provided. Collection method: clinical testing. Allele origin: germline.
Comment: This variant is classified as likely benign based on ACMG/AMP sequence variant interpretation guidelines (Richards et al. 2015 PMID: 25741868, with internal and published modifications).

NM_138386.3(NAF1):c.291C>T (p.Thr97=)

Gene: NAF1 (nuclear assembly factor 1 ribonucleoprotein; minus strand). Cytogenetic location: 4q32.2.
Variant type: single nucleotide variant.
Coding change: c.291C>T on transcript NM_138386.3 (MANE Select); coding-DNA position 291, C replaced by T.
Protein change: p.Thr97=; no amino-acid change (threonine 97 retained).
Molecular consequence: synonymous variant.
Genome position (GRCh38, 1-based): chr4:163,166,437, G>A on the plus strand (C>T on the coding strand, the complement: NAF1 is on the minus strand). VCF-style: chr4-163166437-G-A. GRCh37 (hg19) VCF-style: chr4-164087589-G-A.
Other names: c.291C>T, p.Thr97= (NM_001128931.2).
Identifiers: ClinVar variation 3035670 (VCV003035670.2), dbSNP rs779729136, ClinGen allele CA3126429.